The following is an entry in ClinVar:

NM_182493.3(MYLK3):c.1996C>T (p.Arg666Ter)

Gene: MYLK3 (myosin light chain kinase 3; minus strand). Cytogenetic location: 16q11.2.
Variant type: single nucleotide variant.
Coding change: c.1996C>T on transcript NM_182493.3 (MANE Select); coding-DNA position 1996, C replaced by T.
Protein change: p.Arg666Ter; replaces arginine 666 with a stop codon.
Molecular consequence: nonsense.
Genome position (GRCh38, 1-based): chr16:46,712,766, G>A on the plus strand (C>T on the coding strand, the complement: MYLK3 is on the minus strand). VCF-style: chr16-46712766-G-A. GRCh37 (hg19) VCF-style: chr16-46746678-G-A.
Other names: c.973C>T, p.Arg325Ter (NM_001308301.1); short protein forms R325*, R666*.
Identifiers: ClinVar variation 2163938 (VCV002163938.4), dbSNP rs780676112, ClinGen allele CA8037756.

ClinVar aggregate classification (germline): Uncertain significance (1 of 4 stars; one submission).

Allele frequency attached by ClinVar (database versions not stated): ExAC 0.00001; gnomAD exomes 0.00001; gnomAD 0.00003; TOPMed 0.00003.
gnomAD v4.1: 14 of 1,597,966 alleles (0.00088%); highest among the groups gnomAD compares: African/African-American, 0.0068%; no homozygotes.

Submission:

Labcorp Genetics (formerly Invitae), Labcorp
Classification: Uncertain significance. Last evaluated: 2025-12-22. Review status: criteria provided, single submitter. Criteria: Invitae Variant Classification Sherloc (09022015). Collection method: clinical testing. Allele origin: germline.
Comment: This sequence change creates a premature translational stop signal (p.Arg666*) in the MYLK3 gene. It is expected to result in an absent or disrupted protein product. However, the current clinical and genetic evidence is not sufficient to establish whether loss-of-function variants in MYLK3 cause disease. This variant is present in population databases (rs780676112, gnomAD 0.007%). This variant has not been reported in the literature in individuals affected with MYLK3-related conditions. ClinVar contains an entry for this variant (Variation ID: 2163938). In summary, the available evidence is currently insufficient to determine the role of this variant in disease. Therefore, it has been classified as a Variant of Uncertain Significance.